The following is an entry in ClinVar:

NM_001145809.2(MYH14):c.619A>G (p.Asn207Asp)

Gene: MYH14 (myosin heavy chain 14; plus strand). Cytogenetic location: 19q13.33.
Variant type: single nucleotide variant.
Coding change: c.619A>G on transcript NM_001145809.2 (MANE Select); coding-DNA position 619, A replaced by G.
Protein change: p.Asn207Asp; replaces asparagine 207 with aspartic acid.
Molecular consequence: missense variant.
Genome position (GRCh38, 1-based): chr19:50,223,275, A>G. VCF-style: chr19-50223275-A-G. GRCh37 (hg19) VCF-style: chr19-50726532-A-G.
Other names: c.619A>G, p.Asn207Asp (NM_001077186.2, NM_024729.4); short protein forms N207D.
Identifiers: ClinVar variation 2574438 (VCV002574438.1), dbSNP rs2514303654, ClinGen allele CA406950728.

ClinVar aggregate classification (germline): Uncertain significance (1 of 4 stars; one submission).

Submission:

GeneDx
Classification: Uncertain significance. Last evaluated: 2023-01-26. Review status: criteria provided, single submitter. Criteria: GeneDx Variant Classification Process June 2021. Collection method: clinical testing. Allele origin: germline. Affected: yes.
Comment: Not observed at significant frequency in large population cohorts (gnomAD); In silico analysis supports that this missense variant has a deleterious effect on protein structure/function; Has not been previously published as pathogenic or benign to our knowledge